The following is an entry in ClinVar:

ClinVar aggregate classification (germline): Pathogenic (0 of 4 stars; one submission).

Conditions:
FBN1-related disorder. Also called: FBN1-related disorders.

Submission:

PreventionGenetics, part of Exact Sciences
Classification: Pathogenic for FBN1-related condition. Last evaluated: 2024-09-03. Review status: no assertion criteria provided. Collection method: clinical testing. Allele origin: germline.
Comment: The FBN1 c.4826delA variant is predicted to result in a frameshift and premature protein termination (p.Glu1609Glyfs*31). This variant was reported in an individual with Marfan syndrome (El-Aleem et al 1999. PubMed ID: 10425041). This variant has not been reported in a large population database, indicating this variant is rare. Loss-of-function variants in FBN1, like this variant, are expected to be pathogenic. This variant is interpreted as pathogenic.

NM_000138.5(FBN1):c.4826del (p.Glu1609fs)

Gene: FBN1 (fibrillin 1; minus strand). Cytogenetic location: 15q21.1.
Variant type: Deletion.
Coding change: c.4826del on transcript NM_000138.5 (MANE Select); coding-DNA position 4826, one base deleted (A; older notation c.4826delA).
Protein change: p.Glu1609fs; shifts the reading frame from glutamic acid 1609.
Molecular consequence: frameshift variant.
Genome position (GRCh38, 1-based): chr15:48,465,684, T deleted on the plus strand (A on the coding strand, the reverse complement: FBN1 is on the minus strand). VCF-style (leftmost placement, unchanged base first): chr15-48465683-CT-C. GRCh37 (hg19) VCF-style: chr15-48757880-CT-C.
Other names: c.4826del, p.Glu1609fs (NM_001406716.1); short protein forms E1609fs.
Identifiers: ClinVar variation 3345611 (VCV003345611.1).